The following is an entry in ClinVar:

NM_001903.5(CTNNA1):c.2620A>C (p.Lys874Gln)

Gene: CTNNA1 (catenin alpha 1; plus strand). Cytogenetic location: 5q31.2.
Variant type: single nucleotide variant.
Coding change: c.2620A>C on transcript NM_001903.5 (MANE Select); coding-DNA position 2620, A replaced by C.
Protein change: p.Lys874Gln; replaces lysine 874 with glutamine.
Molecular consequence: missense variant. On other transcripts: 3 prime UTR variant (5).
Genome position (GRCh38, 1-based): chr5:138,933,988, A>C. VCF-style: chr5-138933988-A-C. GRCh37 (hg19) VCF-style: chr5-138269677-A-C.
Other names: c.*165A>C (NM_001290307.3, NM_001324002.1, NM_001324003.1 and 2 more transcripts); c.2311A>C, p.Lys771Gln (NM_001290309.3); c.2251A>C, p.Lys751Gln (NM_001290310.3); c.1510A>C, p.Lys504Gln (NM_001290312.1, NM_001323987.1, NM_001323988.1 and 12 more transcripts); c.2620A>C, p.Lys874Gln (NM_001323982.2, NM_001323983.1, NM_001323984.2); c.2593A>C, p.Lys865Gln (NM_001323985.2); c.2527A>C, p.Lys843Gln (NM_001323986.2); c.1375A>C, p.Lys459Gln (NM_001324001.1); and 3 more; short protein forms K473Q, K391Q, K771Q, K843Q, K423Q, K459Q, K504Q, K751Q.
Identifiers: ClinVar variation 3498220 (VCV003498220.1).

ClinVar aggregate classification (germline): Uncertain significance (1 of 4 stars; one submission).

Conditions:
Hereditary cancer-predisposing syndrome. Also called: Tumor predisposition; Neoplastic Syndromes, Hereditary; Hereditary Cancer Syndrome; Hereditary neoplastic syndrome. Identifiers: Orphanet 140162, MedGen C0027672, MeSH D009386, MONDO:0015356.

Submission:

Ambry Genetics
Classification: Uncertain significance for Hereditary cancer-predisposing syndrome. Last evaluated: 2024-08-08. Review status: criteria provided, single submitter. Criteria: Ambry Variant Classification Scheme 2023. Collection method: clinical testing. Allele origin: germline.
Comment: The p.K874Q variant (also known as c.2620A>C), located in coding exon 17 of the CTNNA1 gene, results from an A to C substitution at nucleotide position 2620. The lysine at codon 874 is replaced by glutamine, an amino acid with similar properties. This amino acid position is conserved. In addition, this alteration is predicted to be tolerated by in silico analysis. Based on the available evidence, the clinical significance of this variant remains unclear.